The following is an entry in ClinVar:

NM_024422.6(DSC2):c.2094del (p.Ala699fs)

Gene: DSC2 (desmocollin 2; minus strand). Cytogenetic location: 18q12.1.
Variant type: Deletion.
Coding change: c.2094del on transcript NM_024422.6 (MANE Select); coding-DNA position 2094, one base deleted (T; older notation c.2094delT).
Protein change: p.Ala699fs; shifts the reading frame from alanine 699.
Molecular consequence: frameshift variant.
Genome position (GRCh38, 1-based): chr18:31,071,636, A deleted on the plus strand (T on the coding strand, the reverse complement: DSC2 is on the minus strand); the first of 2 consecutive A bases (chr18:31,071,636-31,071,637); deleting either gives the same sequence. VCF-style (leftmost placement, unchanged base first): chr18-31071635-CA-C. GRCh37 (hg19) VCF-style: chr18-28651601-CA-C.
Other names: c.1665del, p.Ala556fs (NM_001406506.1, NM_001406507.1); c.2094del, p.Ala699fs (NM_004949.5); short protein forms A556fs, A699fs.
Identifiers: ClinVar variation 3655241 (VCV003655241.2).

ClinVar aggregate classification (germline): Pathogenic (1 of 4 stars; one submission).

Conditions:
Arrhythmogenic right ventricular dysplasia 11. Also called: ARRHYTHMOGENIC RIGHT VENTRICULAR DYSPLASIA, FAMILIAL, 11; Arrhythmogenic Right Ventricular Dysplasia/Cardiomyopathy11; Arrhythmogenic right ventricular dysplasia 11 with mild palmoplantar keratoderma and woolly hair. Identifiers: MedGen C1864850, MONDO:0012506, OMIM 610476.

Submission:

Labcorp Genetics (formerly Invitae), Labcorp
Classification: Pathogenic for Arrhythmogenic right ventricular dysplasia 11. Last evaluated: 2024-06-01. Review status: criteria provided, single submitter. Criteria: Invitae Variant Classification Sherloc (09022015). Collection method: clinical testing. Allele origin: germline.
Comment: This sequence change creates a premature translational stop signal (p.Ala699Glnfs*6) in the DSC2 gene. It is expected to result in an absent or disrupted protein product. Loss-of-function variants in DSC2 are known to be pathogenic (PMID: 23911551). This variant is not present in population databases (gnomAD no frequency). This variant has not been reported in the literature in individuals affected with DSC2-related conditions. For these reasons, this variant has been classified as Pathogenic.

Literature cited by the submitters: PubMed 23911551.